The following is an entry in ClinVar:

ClinVar aggregate classification (germline): Likely benign. Review status: reviewed by expert panel (3 of 4 stars). 3 submissions from 3 submitters: Likely benign (1). 2 of the submissions do not count toward it. Last evaluated 2017-06-29.

Conditions:
Hereditary cancer-predisposing syndrome. Also called: Hereditary neoplastic syndrome; Hereditary Cancer Syndrome; Neoplastic Syndromes, Hereditary; Tumor predisposition. Identifiers: Orphanet 140162, MedGen C0027672, MeSH D009386, MONDO:0015356.
Breast-ovarian cancer, familial, susceptibility to, 2 (BROVCA2). Also called: BRCA2 Hereditary Breast and Ovarian Cancer. Identifiers: Orphanet 145, MedGen C2675520, MONDO:0012933, OMIM 612555. Disease mechanism: loss of function.
Hereditary breast ovarian cancer syndrome. Also called: Hereditary breast and ovarian cancer syndrome; BRCA1- and BRCA2-Associated Hereditary Breast and Ovarian Cancer; Hereditary breast and/or ovarian cancer syndrome; Hereditary breast and ovarian cancer; Breast and ovarian cancer; Hereditary breast and ovarian cancer syndrome (HBOC). Identifiers: Orphanet 145, MedGen C0677776, MeSH D061325, MONDO:0003582. Disease mechanism: loss of function.

Submissions (3):

Evidence-based Network for the Interpretation of Germline Mutant Alleles (ENIGMA)
Classification: Likely benign for Breast-ovarian cancer, familial, susceptibility to, 2. Last evaluated: 2017-06-29. Review status: reviewed by expert panel. Criteria: ENIGMA BRCA1/2 Classification Criteria (2017-06-29). Collection method: curation. Allele origin: germline.
Comment: Synonymous substitution variant, with low bioinformatic likelihood to result in a splicing aberration (Splicing prior probability 0.02).

Labcorp Genetics (formerly Invitae), Labcorp
Classification: Likely benign for Hereditary breast ovarian cancer syndrome. Last evaluated: 2025-06-04. Review status: criteria provided, single submitter. Criteria: Invitae Variant Classification Sherloc (09022015). Collection method: clinical testing. Allele origin: germline. Not counted in ClinVar's aggregate classification.

Ambry Genetics
Classification: Likely benign for Hereditary cancer-predisposing syndrome. Last evaluated: 2016-01-11. Review status: criteria provided, single submitter. Criteria: Ambry Variant Classification Scheme 2023. Collection method: clinical testing. Allele origin: germline. Not counted in ClinVar's aggregate classification.

NM_000059.4(BRCA2):c.774A>G (p.Gln258=)

Gene: BRCA2 (BRCA2 DNA repair associated; plus strand). Cytogenetic location: 13q13.1.
Variant type: single nucleotide variant.
Coding change: c.774A>G on transcript NM_000059.4 (MANE Select); coding-DNA position 774, A replaced by G.
Protein change: p.Gln258=; no amino-acid change (glutamine 258 retained).
Molecular consequence: synonymous variant.
Genome position (GRCh38, 1-based): chr13:32,331,011, A>G. VCF-style: chr13-32331011-A-G. GRCh37 (hg19) VCF-style: chr13-32905148-A-G.
Identifiers: ClinVar variation 427378 (VCV000427378.15), dbSNP rs1131692112, ClinGen allele CA483274514.